The following is an entry in ClinVar:

NM_003482.4(KMT2D):c.10112A>G (p.Gln3371Arg)

Gene: KMT2D (lysine methyltransferase 2D; minus strand). Cytogenetic location: 12q13.12.
Variant type: single nucleotide variant.
Coding change: c.10112A>G on transcript NM_003482.4 (MANE Select); coding-DNA position 10112, A replaced by G.
Protein change: p.Gln3371Arg; replaces glutamine 3371 with arginine.
Molecular consequence: missense variant.
Genome position (GRCh38, 1-based): chr12:49,037,244, T>C on the plus strand (A>G on the coding strand, the complement: KMT2D is on the minus strand). VCF-style: chr12-49037244-T-C. GRCh37 (hg19) VCF-style: chr12-49431027-T-C.
Other names: short protein forms Q3371R.
Identifiers: ClinVar variation 5001213 (VCV005001213.1).

ClinVar aggregate classification (germline): Uncertain significance (1 of 4 stars; one submission).

Conditions:
KMT2D-related disorder. Also called: KMT2D-Related Disorders.

Submission:

PreventionGenetics, part of Exact Sciences
Classification: Uncertain significance for KMT2D-related condition. Last evaluated: 2025-04-17. Review status: criteria provided, single submitter. Criteria: ACMG Guidelines, 2015. Collection method: clinical testing. Allele origin: germline.
Comment: The KMT2D c.10112A>G variant is predicted to result in the amino acid substitution p.Gln3371Arg. To our knowledge, this variant has not been reported in the literature or in a large population database (gnomAD), indicating it is rare. At this time, the clinical significance of this variant is uncertain due to the absence of conclusive functional and genetic evidence.